The following is an entry in ClinVar:

NM_015450.3(POT1):c.1A>G (p.Met1Val)

Gene: POT1 (protection of telomeres 1; minus strand). Cytogenetic location: 7q31.33.
Variant type: single nucleotide variant.
Coding change: c.1A>G on transcript NM_015450.3 (MANE Select); coding-DNA position 1, A replaced by G.
Protein change: p.Met1Val; changes the start codon (methionine 1).
Molecular consequence: missense variant, initiator codon variant. On other transcripts: 5 prime UTR variant (1), non-coding transcript variant (3).
Genome position (GRCh38, 1-based): chr7:124,897,173, T>C on the plus strand (A>G on the coding strand, the complement: POT1 is on the minus strand). VCF-style: chr7-124897173-T-C. GRCh37 (hg19) VCF-style: chr7-124537227-T-C.
Other names: c.-262A>G (NM_001042594.2); short protein forms M1V.
Identifiers: ClinVar variation 650065 (VCV000650065.11), dbSNP rs1584510207, ClinGen allele CA369066378.

ClinVar aggregate classification (germline): Pathogenic/Likely pathogenic. Review status: criteria provided, multiple submitters, no conflicts (2 of 4 stars). 3 submissions from 3 submitters: Pathogenic (2); Likely pathogenic (1). Last evaluated 2025-01-07.

Conditions:
Tumor predisposition syndrome 3 (TPDS3). Also called: Melanoma, cutaneous malignant, susceptibility to, 10; Glioma susceptibility 9; LONG TELOMERE SYNDROME, POT1-RELATED; POT1 Tumor Predisposition. Identifiers: Orphanet 618, MedGen C4014476, MONDO:0014368, OMIM 615848.
Hereditary cancer-predisposing syndrome. Also called: Tumor predisposition; Neoplastic Syndromes, Hereditary; Hereditary Cancer Syndrome; Hereditary neoplastic syndrome. Identifiers: Orphanet 140162, MedGen C0027672, MeSH D009386, MONDO:0015356.

Submissions (3):

Ambry Genetics
Classification: Pathogenic for Hereditary cancer-predisposing syndrome. Last evaluated: 2025-01-07. Review status: criteria provided, single submitter. Criteria: Ambry Variant Classification Scheme 2023. Collection method: clinical testing. Allele origin: germline.
Comment: The p.M1? pathogenic mutation (also known as c.1A>G) is located in coding exon 1 of the POT1 gene and results from a A to G substitution at nucleotide position 1. This alters the methionine residue at the initiation codon (ATG). This variant was reported in individual(s) with features consistent with POT1-related tumor predisposition syndrome (Ambry internal data). This variant is considered to be rare based on population cohorts in the Genome Aggregation Database (gnomAD). This amino acid position is well conserved in available vertebrate species. Sequence variations that modify the initiation codon are expected to result in either loss of translation initiation, N-terminal truncation, or cause a shift in the mRNA reading frame. Based on the supporting evidence, this variant is interpreted as a disease-causing mutation.

Quest Diagnostics Nichols Institute San Juan Capistrano
Classification: Likely pathogenic. Last evaluated: 2024-01-19. Review status: criteria provided, single submitter. Criteria: Quest Diagnostics criteria. Collection method: clinical testing. Allele origin: unknown.
Comment: The POT1 c.1A>G variant disrupts the translation initiation codon of the POT1 mRNA and is predicted to interfere with POT1 protein synthesis. This variant has been reported in the published literature in an individual affected with multiple myeloma (PMID: 36467798 (2022)). This variant has not been reported in large, multi-ethnic general populations (Genome Aggregation Database). Based on the available information, this variant is classified as likely pathogenic.

Labcorp Genetics (formerly Invitae), Labcorp
Classification: Pathogenic for Tumor predisposition syndrome 3. Last evaluated: 2023-11-27. Review status: criteria provided, single submitter. Criteria: Invitae Variant Classification Sherloc (09022015). Collection method: clinical testing. Allele origin: germline.
Comment: This sequence change affects the initiator methionine of the POT1 mRNA. The next in-frame methionine is located at codon 132. This variant is not present in population databases (gnomAD no frequency). This variant has not been reported in the literature in individuals affected with POT1-related conditions. ClinVar contains an entry for this variant (Variation ID: 650065). This variant at the initiator codon is expected to affect translation initiation. Rescue of translation at the next in-frame methionine at codon 132 is expected to disrupt the oligonucleotide binding 1 (OB1) domain, which facilitates binding to ssDNA critical for POT1 and TPP1 dimerization (PMID: 23502782, 25934589). However, functional studies have not been performed for this specific variant. This variant disrupts a region of the POT1 protein in which other variant(s) (p.Arg117Cys) have been determined to be pathogenic (PMID: 26403419; Invitae). This suggests that this is a clinically significant region of the protein, and that variants that disrupt it are likely to be disease-causing. For these reasons, this variant has been classified as Pathogenic.

Literature cited by the submitters: PubMed 36467798 (cited by Quest Diagnostics Nichols Institute San Juan Capistrano); PubMed 23502782 (cited by Labcorp Genetics (formerly Invitae), Labcorp); PubMed 25934589 (cited by Labcorp Genetics (formerly Invitae), Labcorp); PubMed 26403419 (cited by Labcorp Genetics (formerly Invitae), Labcorp).